The following is an entry in ClinVar:

NM_002788.4(PSMA3):c.209T>C (p.Val70Ala)

Gene: PSMA3 (proteasome 20S subunit alpha 3; plus strand). Cytogenetic location: 14q23.1.
Variant type: single nucleotide variant.
Coding change: c.209T>C on transcript NM_002788.4 (MANE Select); coding-DNA position 209, T replaced by C.
Protein change: p.Val70Ala; replaces valine 70 with alanine.
Molecular consequence: missense variant. On other transcripts: non-coding transcript variant (1).
Genome position (GRCh38, 1-based): chr14:58,252,223, T>C. VCF-style: chr14-58252223-T-C. GRCh37 (hg19) VCF-style: chr14-58718941-T-C.
Other names: c.209T>C, p.Val70Ala (NM_152132.3); short protein forms V70A.
Identifiers: ClinVar variation 3389876 (VCV003389876.14).

ClinVar aggregate classification (germline): Uncertain significance (1 of 4 stars; one submission).

Submission:

CeGaT Center for Human Genetics Tuebingen
Classification: Uncertain significance. Last evaluated: 2024-10-01. Review status: criteria provided, single submitter. Criteria: CeGaT Center For Human Genetics Tuebingen Variant Classification Criteria Version 2. Collection method: clinical testing. Allele origin: germline. Affected: yes. Observed: 1 variant allele.
Comment: PSMA3: PM2